The following is an entry in ClinVar:

NM_003482.4(KMT2D):c.14643+6T>C

Gene: KMT2D (lysine methyltransferase 2D; minus strand). Cytogenetic location: 12q13.12.
Variant type: single nucleotide variant.
Coding change: c.14643+6T>C on transcript NM_003482.4 (MANE Select); 6 bases into the intron after coding-DNA position 14643, T replaced by C.
Molecular consequence: intron variant.
Genome position (GRCh38, 1-based): chr12:49,027,797, A>G on the plus strand (T>C on the coding strand, the complement: KMT2D is on the minus strand). VCF-style: chr12-49027797-A-G. GRCh37 (hg19) VCF-style: chr12-49421580-A-G.
Identifiers: ClinVar variation 2995727 (VCV002995727.3), dbSNP rs372491585, ClinGen allele CA6545699.

ClinVar aggregate classification (germline): Uncertain significance (1 of 4 stars; one submission).

Conditions:
Kabuki syndrome. Also called: NIIKAWA-KUROKI SYNDROME; Kabuki make-up syndrome. Identifiers: Orphanet 2322, MedGen C0796004, MONDO:0016512.

Allele frequency attached by ClinVar (database versions not stated): TOPMed below 0.00001; ExAC 0.00004; ESP Exome Variant Server 0.00008.

Submission:

Labcorp Genetics (formerly Invitae), Labcorp
Classification: Uncertain significance for Kabuki syndrome. Last evaluated: 2023-06-11. Review status: criteria provided, single submitter. Criteria: Invitae Variant Classification Sherloc (09022015). Collection method: clinical testing. Allele origin: germline.
Comment: Variants that disrupt the consensus splice site are a relatively common cause of aberrant splicing (PMID: 17576681, 9536098). Algorithms developed to predict the effect of sequence changes on RNA splicing suggest that this variant is not likely to affect RNA splicing. In summary, the available evidence is currently insufficient to determine the role of this variant in disease. Therefore, it has been classified as a Variant of Uncertain Significance. This variant has not been reported in the literature in individuals affected with KMT2D-related conditions. This sequence change falls in intron 47 of the KMT2D gene. It does not directly change the encoded amino acid sequence of the KMT2D protein. It affects a nucleotide within the consensus splice site. This variant is present in population databases (rs372491585, gnomAD 0.002%).

Literature cited by the submitters: PubMed 17576681; PubMed 9536098.